The following is an entry in ClinVar:

ClinVar aggregate classification (germline): Pathogenic. Review status: criteria provided, multiple submitters, no conflicts (2 of 4 stars). 3 submissions from 3 submitters: Pathogenic (2). 1 of the submissions does not count toward it. Last evaluated 2023-11-30.

Conditions:
Argininosuccinate lyase deficiency. Also called: ARGININOSUCCINIC ACID LYASE DEFICIENCY; ASL DEFICIENCY; Argininosuccinic aciduria. Identifiers: Orphanet 23, MedGen C0268547, MONDO:0008815, OMIM 207900, HP:0025630.

Submissions (3):

Baylor Genetics
Classification: Pathogenic for Argininosuccinate lyase deficiency. Last evaluated: 2023-11-30. Review status: criteria provided, single submitter. Criteria: ACMG Guidelines, 2015. Collection method: clinical testing. Allele origin: unknown.

Labcorp Genetics (formerly Invitae), Labcorp
Classification: Pathogenic for Argininosuccinate lyase deficiency. Last evaluated: 2022-12-23. Review status: criteria provided, single submitter. Criteria: Invitae Variant Classification Sherloc (09022015). Collection method: clinical testing. Allele origin: germline.
Comment: This premature translational stop signal has been observed in individual(s) with Argininosuccinate lyase deficiency (PMID: 24166829). This sequence change creates a premature translational stop signal (p.Trp245*) in the ASL gene. It is expected to result in an absent or disrupted protein product. Loss-of-function variants in ASL are known to be pathogenic (PMID: 2263616, 24166829). This variant is not present in population databases (gnomAD no frequency). ClinVar contains an entry for this variant (Variation ID: 552651). Algorithms developed to predict the effect of sequence changes on RNA splicing suggest that this variant may create or strengthen a splice site. For these reasons, this variant has been classified as Pathogenic.

Counsyl
Classification: Likely pathogenic for Argininosuccinate lyase deficiency. Last evaluated: 2017-06-26. Review status: no assertion criteria provided. Collection method: clinical testing. Allele origin: unknown. Not counted in ClinVar's aggregate classification.

Literature cited by the submitters: PubMed 24166829 (cited by Labcorp Genetics (formerly Invitae), Labcorp and Counsyl); PubMed 2263616 (cited by Labcorp Genetics (formerly Invitae), Labcorp).

NM_000048.4(ASL):c.735G>A (p.Trp245Ter)

Gene: ASL (argininosuccinate lyase; plus strand). Cytogenetic location: 7q11.21.
Variant type: single nucleotide variant.
Coding change: c.735G>A on transcript NM_000048.4 (MANE Select); coding-DNA position 735, G replaced by A.
Protein change: p.Trp245Ter; replaces tryptophan 245 with a stop codon.
Molecular consequence: nonsense.
Genome position (GRCh38, 1-based): chr7:66,088,823, G>A. VCF-style: chr7-66088823-G-A. GRCh37 (hg19) VCF-style: chr7-65553810-G-A.
Other names: c.735G>A, p.Trp245Ter (NM_001024943.2, NM_001024944.2); c.657G>A, p.Trp219Ter (NM_001024946.2); short protein forms W245*, W219*.
Identifiers: ClinVar variation 552651 (VCV000552651.8), dbSNP rs1554327573, ClinGen allele CA367645124.